The following is an entry in ClinVar:

NM_006642.5(SDCCAG8):c.744C>T (p.Asn248=)

Gene: SDCCAG8 (SHH signaling and ciliogenesis regulator SDCCAG8; plus strand). Cytogenetic location: 1q43.
Variant type: single nucleotide variant.
Coding change: c.744C>T on transcript NM_006642.5 (MANE Select); coding-DNA position 744, C replaced by T.
Protein change: p.Asn248=; no amino-acid change (asparagine 248 retained).
Molecular consequence: synonymous variant. On other transcripts: 5 prime UTR variant (3).
Genome position (GRCh38, 1-based): chr1:243,307,992, C>T. VCF-style: chr1-243307992-C-T. GRCh37 (hg19) VCF-style: chr1-243471294-C-T.
Other names: c.-160C>T (NM_001350246.2, NM_001350247.2, NM_001350251.2); c.840C>T, p.Asn280= (NM_001350248.2); c.450C>T, p.Asn150= (NM_001350249.2).
Identifiers: ClinVar variation 704060 (VCV000704060.19), dbSNP rs138449445, ClinGen allele CA1483443.

ClinVar aggregate classification (germline): Conflicting classifications of pathogenicity. Review status: criteria provided, conflicting classifications (1 of 4 stars). 5 submissions from 4 submitters: Uncertain significance (2); Likely benign (3). Last evaluated 2026-01-04.

Conditions:
Bardet-Biedl syndrome 16 (BBS16). Identifiers: Orphanet 110, MedGen C3889474, MONDO:0014444, OMIM 615993.
Senior-Loken syndrome 7 (SLSN7). Identifiers: Orphanet 3156, MedGen C3150877, MONDO:0013326, OMIM 613615.

Allele frequency attached by ClinVar (database versions not stated): gnomAD exomes 0.00011 and 0.00018; ExAC 0.00015; ESP Exome Variant Server 0.00023; gnomAD 0.00034 and 0.00036; TOPMed 0.00038; 1000 Genomes Project 30x 0.00062; 1000 Genomes Project 0.00080.
gnomAD v4.1: 220 of 1,613,640 alleles (0.014%); highest among the groups gnomAD compares: African/African-American, 0.083%; no homozygotes.

Submissions (5):

Labcorp Genetics (formerly Invitae), Labcorp
Classification: Likely benign for Bardet-Biedl syndrome 16; Senior-Loken syndrome 7. Last evaluated: 2026-01-04. Review status: criteria provided, single submitter. Criteria: Invitae Variant Classification Sherloc (09022015). Collection method: clinical testing. Allele origin: germline.

CeGaT Center for Human Genetics Tuebingen
Classification: Likely benign. Last evaluated: 2026-01-01. Review status: criteria provided, single submitter. Criteria: CeGaT Center For Human Genetics Tuebingen Variant Classification Criteria Version 2. Collection method: clinical testing. Allele origin: germline. Affected: yes. Observed: 1 variant allele.
Comment: SDCCAG8: BP4, BP7

Blueprint Genetics
Classification: Likely benign. Last evaluated: 2024-11-11. Review status: criteria provided, single submitter. Criteria: ACMG Guidelines, 2015. Collection method: clinical testing. Allele origin: germline.

Illumina Laboratory Services, Illumina
Classification: Uncertain significance for Bardet-Biedl syndrome 16. Last evaluated: 2018-01-13. Review status: criteria provided, single submitter. Criteria: ICSL Variant Classification Criteria 13 December 2019. Collection method: clinical testing. Allele origin: germline.

Illumina Laboratory Services, Illumina
Classification: Uncertain significance for Senior-Loken syndrome 7. Last evaluated: 2018-01-13. Review status: criteria provided, single submitter. Criteria: ICSL Variant Classification Criteria 13 December 2019. Collection method: clinical testing. Allele origin: germline.